The following is an entry in ClinVar:

ClinVar aggregate classification (germline): Pathogenic (1 of 4 stars; one submission).

Conditions:
Marfan syndrome (MFS). Also called: Marfan syndrome type 1; Marfan's syndrome; FBN1-Related Marfan Syndrome; MARFAN SYNDROME, TYPE I; Marfan syndrome, classic. Identifiers: Orphanet 284963, Orphanet 558, MedGen C0024796, MONDO:0007947, OMIM 154700.
Familial thoracic aortic aneurysm and aortic dissection (TAAD). Also called: Thoracic aortic aneurysms and dissections. Identifiers: Orphanet 91387, MedGen C4707243, MONDO:0019625.

Submission:

Labcorp Genetics (formerly Invitae), Labcorp
Classification: Pathogenic for Marfan syndrome; Familial thoracic aortic aneurysm and aortic dissection. Last evaluated: 2021-08-30. Review status: criteria provided, single submitter. Criteria: Invitae Variant Classification Sherloc (09022015). Collection method: clinical testing. Allele origin: germline.
Comment: This missense change has been observed in individual(s) with clinical features of Marfan syndrome (Invitae). For these reasons, this variant has been classified as Pathogenic. This variant disrupts the p.Cys1491 amino acid residue in FBN1. Other variant(s) that disrupt this residue have been observed in individuals with FBN1-related conditions (PMID: 19159394, 22005308, 31098894), which suggests that this may be a clinically significant amino acid residue. This sequence change replaces cysteine with arginine at codon 1491 of the FBN1 protein (p.Cys1491Arg). The cysteine residue is highly conserved and there is a large physicochemical difference between cysteine and arginine. This variant is not present in population databases (ExAC no frequency). Advanced modeling of protein sequence and biophysical properties (such as structural, functional, and spatial information, amino acid conservation, physicochemical variation, residue mobility, and thermodynamic stability) performed at Invitae indicates that this missense variant is expected to disrupt FBN1 protein function. This variant affects a cysteine residue in the EGF-like, TGFBP or hybrid motif domains of FBN1. Cysteine residues are believed to be involved in intramolecular disulfide bridges and have been shown to be important for FBN1 protein structure (PMID: 16905551, 19349279). In addition, missense substitutions affecting cysteine residues within these domains are significantly overrepresented among patients with Marfan syndrome (PMID: 16571647, 17701892).

Literature cited by the submitters: PubMed 19159394; PubMed 22005308; PubMed 31098894; PubMed 16905551; PubMed 19349279; PubMed 16571647; PubMed 17701892.

NM_000138.5(FBN1):c.4471T>C (p.Cys1491Arg)

Gene: FBN1 (fibrillin 1; minus strand). Cytogenetic location: 15q21.1.
Variant type: single nucleotide variant.
Coding change: c.4471T>C on transcript NM_000138.5 (MANE Select); coding-DNA position 4471, T replaced by C.
Protein change: p.Cys1491Arg; replaces cysteine 1491 with arginine.
Molecular consequence: missense variant.
Genome position (GRCh38, 1-based): chr15:48,468,523, A>G on the plus strand (T>C on the coding strand, the complement: FBN1 is on the minus strand). VCF-style: chr15-48468523-A-G. GRCh37 (hg19) VCF-style: chr15-48760720-A-G.
Other names: short protein forms C1491R.
Identifiers: ClinVar variation 1410301 (VCV001410301.6), dbSNP rs2141273081, ClinGen allele CA392353810.
Genomic context (GRCh38, chr15:48,468,523, plus strand): 5'-AGATATAGCTGCCTGGAGTGTTGACACAGTTCCCACTGATGCACGTGGTTGGATCCAGGC[A>G]TTCATTCACATCTAAAACCGAACAGTGAGTAGTGGAGTTATCACCTGAGCCAGTGTAGGC-3'
Protein context (NP_000129.3, residues 1481-1501): SGGNCTDVNE[Cys1491Arg]LDPTTCISGN